The following is an entry in ClinVar:

ClinVar aggregate classification (germline): Likely pathogenic (1 of 4 stars; one submission).

Submission:

GeneDx
Classification: Likely pathogenic. Last evaluated: 2024-11-24. Review status: criteria provided, single submitter. Criteria: GeneDx Variant Classification Process June 2021. Collection method: clinical testing. Allele origin: germline.
Comment: Not observed at significant frequency in large population cohorts (gnomAD); Missense variants in this gene are a common cause of disease and they are underrepresented in the general population; In silico analysis indicates that this missense variant does not alter protein structure/function; Has not been previously published as pathogenic or benign to our knowledge

NM_006009.4(TUBA1A):c.1063A>G (p.Ile355Val)

Gene: TUBA1A (tubulin alpha 1a; minus strand). Cytogenetic location: 12q13.12.
Variant type: single nucleotide variant.
Coding change: c.1063A>G on transcript NM_006009.4 (MANE Select); coding-DNA position 1063, A replaced by G.
Protein change: p.Ile355Val; replaces isoleucine 355 with valine.
Molecular consequence: missense variant.
Genome position (GRCh38, 1-based): chr12:49,185,303, T>C on the plus strand (A>G on the coding strand, the complement: TUBA1A is on the minus strand). VCF-style: chr12-49185303-T-C. GRCh37 (hg19) VCF-style: chr12-49579086-T-C.
Other names: c.1063A>G, p.Ile355Val (NM_001270399.2); c.958A>G, p.Ile320Val (NM_001270400.2); short protein forms I320V, I355V.
Identifiers: ClinVar variation 2663351 (VCV002663351.2), dbSNP rs2498859541, ClinGen allele CA384636469.